The following is an entry in ClinVar:

ClinVar aggregate classification (germline): Uncertain significance (1 of 4 stars; one submission).

Allele frequency attached by ClinVar (database versions not stated): ExAC 0.00001.

Submission:

GeneDx
Classification: Uncertain significance. Last evaluated: 2022-08-31. Review status: criteria provided, single submitter. Criteria: GeneDx Variant Classification Process June 2021. Collection method: clinical testing. Allele origin: germline. Affected: yes.
Comment: Not observed at significant frequency in large population cohorts (gnomAD); In silico analysis supports that this missense variant does not alter protein structure/function; Has not been previously published as pathogenic or benign to our knowledge

NM_001111125.3(IQSEC2):c.1451C>T (p.Ser484Leu)

Gene: IQSEC2 (IQ motif and Sec7 domain ArfGEF 2; minus strand). Cytogenetic location: Xp11.22.
Variant type: single nucleotide variant.
Coding change: c.1451C>T on transcript NM_001111125.3 (MANE Select); coding-DNA position 1451, C replaced by T.
Protein change: p.Ser484Leu; replaces serine 484 with leucine.
Molecular consequence: missense variant.
Genome position (GRCh38, 1-based): chrX:53,251,125, G>A on the plus strand (C>T on the coding strand, the complement: IQSEC2 is on the minus strand). VCF-style: chrX-53251125-G-A. GRCh37 (hg19) VCF-style: chrX-53280307-G-A.
Other names: c.1451C>T, p.Ser484Leu (NM_001410736.1); c.836C>T, p.Ser279Leu (NM_015075.2); short protein forms S279L, S484L.
Identifiers: ClinVar variation 2442620 (VCV002442620.1), dbSNP rs782441668, ClinGen allele CA10420054.